The following is an entry in ClinVar:

NM_001127222.2(CACNA1A):c.4042C>T (p.Arg1348Trp)

Gene: CACNA1A (calcium voltage-gated channel subunit alpha1 A; minus strand). Cytogenetic location: 19p13.13.
Variant type: single nucleotide variant.
Coding change: c.4042C>T on transcript NM_001127222.2 (MANE Select); coding-DNA position 4042, C replaced by T.
Protein change: p.Arg1348Trp; replaces arginine 1348 with tryptophan.
Molecular consequence: missense variant.
Genome position (GRCh38, 1-based): chr19:13,262,781, G>A on the plus strand (C>T on the coding strand, the complement: CACNA1A is on the minus strand). VCF-style: chr19-13262781-G-A. GRCh37 (hg19) VCF-style: chr19-13373595-G-A.
Other names: c.4054C>T, p.Arg1352Trp (NM_000068.4, NM_023035.3); c.4045C>T, p.Arg1349Trp (NM_001127221.2, NM_001174080.2); c.4045C>T (NM_000068.2); short protein forms R1349W, R1348W, R1352W.
Identifiers: ClinVar variation 421023 (VCV000421023.10), dbSNP rs1064794858, ClinGen allele CA16620787.

ClinVar aggregate classification (germline): Pathogenic/Likely pathogenic. Review status: criteria provided, multiple submitters, no conflicts (2 of 4 stars). 4 submissions from 4 submitters: Pathogenic (1); Likely pathogenic (3). Last evaluated 2025-12-12.

Conditions:
Autosomal dominant CACNA1A-related disorders.
Episodic ataxia type 2 (EA2). Also called: ATAXIA, EPISODIC, WITH NYSTAGMUS; ATAXIA, FAMILIAL PAROXYSMAL; CEREBELLAR ATAXIA, PAROXYSMAL, ACETAZOLAMIDE-RESPONSIVE; CEREBELLOPATHY, HEREDITARY PAROXYSMAL; EPISODIC ATAXIA, NYSTAGMUS-ASSOCIATED; ACETAZOLAMIDE-RESPONSIVE HEREDITARY PAROXYSMAL CEREBELLAR ATAXIA. Identifiers: Orphanet 97, MedGen C1720416, MONDO:0007163, OMIM 108500.
Developmental and epileptic encephalopathy, 42 (DEE42A). Also called: Epileptic encephalopathy, early infantile, 42; DEVELOPMENTAL AND EPILEPTIC ENCEPHALOPATHY 42A; EPILEPTIC ENCEPHALOPATHY, EARLY INFANTILE, 42A. Identifiers: MedGen C4310716, MONDO:0014917, OMIM 617106.

Allele frequency attached by ClinVar (database versions not stated): gnomAD exomes below 0.00001.
gnomAD v4.1: 2 of 1,613,574 alleles (0.00012%); highest among the groups gnomAD compares: Non-Finnish European, 0.00017%; no homozygotes.

Submissions (4):

GeneDx
Classification: Pathogenic. Last evaluated: 2025-12-12. Review status: criteria provided, single submitter. Criteria: GeneDx Variant Classification Process June 2021. Collection method: clinical testing. Allele origin: germline. Affected: yes.
Comment: Not observed at significant frequency in large population cohorts (gnomAD); In silico analysis supports that this missense variant has a deleterious effect on protein structure/function; Has not been previously published as pathogenic or benign to our knowledge; This variant is associated with the following publications: (PMID: 20097664, 23831250, 21183743, 19811514)

Variantyx, Inc.
Classification: Likely pathogenic for Autosomal dominant CACNA1A-related disorders. Last evaluated: 2025-09-10. Review status: criteria provided, single submitter. Criteria: Variantyx Assertion Criteria 2022. Collection method: clinical testing. Allele origin: germline. Inheritance: Autosomal dominant inheritance. Affected: yes.
Comment: This is a nonsynonymous variant in the CACNA1A gene (OMIM: 601011). Pathogenic variants in this gene have been associated with autosomal dominant CACNA1A-related disorders. This variant lies within a known hotspot for pathogenic variants or a well-established critical functional domain of the CACNA1A protein (PM1_Strong). Multiple computational algorithms predict a deleterious effect for this variant (REVEL score: 0.926) (PP3). This variant has a 0.0002% maximum allele frequency in non-founder control populations (PM2). Based on the current evidence, this variant is classified as likely pathogenic for autosomal dominant CACNA1A-related disorders.This variant was reported by previous genetic testing.

Athena Diagnostics
Classification: Likely pathogenic. Last evaluated: 2025-01-23. Review status: criteria provided, single submitter. Criteria: Athena Diagnostics Criteria. Collection method: clinical testing. Allele origin: unknown.
Comment: This variant has not been reported in large, multi-ethnic general populations. This variant has been identified in at least one individual with clinical features associated with this gene. Polyphen and MutationTaster predict this amino acid change may be damaging to the protein. The variant is located in a region that is considered important for protein function and/or structure. At least one other missense variant at this codon is considered to be pathogenic or likely pathogenic, suggesting this variant may also cause disease.

Labcorp Genetics (formerly Invitae), Labcorp
Classification: Likely pathogenic for Developmental and epileptic encephalopathy, 42; Episodic ataxia type 2. Last evaluated: 2022-12-22. Review status: criteria provided, single submitter. Criteria: Invitae Variant Classification Sherloc (09022015). Collection method: clinical testing. Allele origin: germline.
Comment: This variant is not present in population databases (gnomAD no frequency). In summary, the currently available evidence indicates that the variant is pathogenic, but additional data are needed to prove that conclusively. Therefore, this variant has been classified as Likely Pathogenic. This variant disrupts the p.Arg1349 amino acid residue in CACNA1A. Other variant(s) that disrupt this residue have been determined to be pathogenic (PMID: 20097664, 21183743, 23831250, 26814174, 28007337, 31139143). This suggests that this residue is clinically significant, and that variants that disrupt this residue are likely to be disease-causing. Advanced modeling of protein sequence and biophysical properties (such as structural, functional, and spatial information, amino acid conservation, physicochemical variation, residue mobility, and thermodynamic stability) performed at Invitae indicates that this missense variant is expected to disrupt CACNA1A protein function. ClinVar contains an entry for this variant (Variation ID: 421023). This variant has not been reported in the literature in individuals affected with CACNA1A-related conditions. This sequence change replaces arginine, which is basic and polar, with tryptophan, which is neutral and slightly polar, at codon 1349 of the CACNA1A protein (p.Arg1349Trp).

Literature cited by the submitters: PubMed 25000453 (cited by Athena Diagnostics); PubMed 20097664 (cited by Labcorp Genetics (formerly Invitae), Labcorp); PubMed 21183743 (cited by Labcorp Genetics (formerly Invitae), Labcorp); PubMed 23831250 (cited by Labcorp Genetics (formerly Invitae), Labcorp); PubMed 26814174 (cited by Labcorp Genetics (formerly Invitae), Labcorp); PubMed 28007337 (cited by Labcorp Genetics (formerly Invitae), Labcorp); PubMed 31139143 (cited by Labcorp Genetics (formerly Invitae), Labcorp).